The following is an entry in ClinVar:

NM_015910.7(WDPCP):c.83A>T (p.Asp28Val)

Gene: WDPCP (WD repeat containing planar cell polarity effector; minus strand). Cytogenetic location: 2p15.
Variant type: single nucleotide variant.
Coding change: c.83A>T on transcript NM_015910.7 (MANE Select); coding-DNA position 83, A replaced by T.
Protein change: p.Asp28Val; replaces aspartic acid 28 with valine.
Molecular consequence: missense variant. On other transcripts: non-coding transcript variant (2).
Genome position (GRCh38, 1-based): chr2:63,492,933, T>A on the plus strand (A>T on the coding strand, the complement: WDPCP is on the minus strand). VCF-style: chr2-63492933-T-A. GRCh37 (hg19) VCF-style: chr2-63720067-T-A.
Other names: c.11A>T, p.Asp4Val (NM_001354044.2); c.83A>T, p.Asp28Val (NM_001354045.2); short protein forms D28V, D4V.
Identifiers: ClinVar variation 336770 (VCV000336770.48), dbSNP rs144703991, ClinGen allele CA1682617.

ClinVar aggregate classification (germline): Conflicting classifications of pathogenicity. Review status: criteria provided, conflicting classifications (1 of 4 stars). 9 submissions from 9 submitters: Uncertain significance (1); Benign (3); Likely benign (2). 3 of the submissions do not count toward it. Last evaluated 2026-01-26.

Conditions:
Bardet-Biedl syndrome (BBS). Identifiers: Orphanet 110, MedGen C0752166, MONDO:0015229.
Bardet-Biedl syndrome 15 (BBS15). Identifiers: Orphanet 110, MedGen C3150127, MONDO:0014443, OMIM 615992.

Allele frequency attached by ClinVar (database versions not stated): ESP Exome Variant Server 0.00017; gnomAD 0.00039 and 0.00082; TOPMed 0.00053; ExAC 0.00154; gnomAD exomes 0.00160; 1000 Genomes Project 0.00639; 1000 Genomes Project 30x 0.00656.
gnomAD v4.1: 930 of 1,613,370 alleles (0.058%); highest among the groups gnomAD compares: East Asian, 0.85%; 19 homozygotes.

Submissions (9):

Labcorp Genetics (formerly Invitae), Labcorp
Classification: Benign for Bardet-Biedl syndrome. Last evaluated: 2026-01-26. Review status: criteria provided, single submitter. Criteria: Invitae Variant Classification Sherloc (09022015). Collection method: clinical testing. Allele origin: germline.

CeGaT Center for Human Genetics Tuebingen
Classification: Benign. Last evaluated: 2022-11-01. Review status: criteria provided, single submitter. Criteria: CeGaT Center For Human Genetics Tuebingen Variant Classification Criteria Version 2. Collection method: clinical testing. Allele origin: germline. Affected: yes. Observed: 1 variant allele.
Comment: WDPCP: BP4, BS1, BS2

Illumina Laboratory Services, Illumina
Classification: Likely benign for Bardet-Biedl syndrome 15. Last evaluated: 2018-01-13. Review status: criteria provided, single submitter. Criteria: ICSL Variant Classification Criteria 13 December 2019. Collection method: clinical testing. Allele origin: germline.
Comment: This variant was observed in the ICSL laboratory as part of a predisposition screen in an ostensibly healthy population. It had not been previously curated by ICSL or reported in the Human Gene Mutation Database (HGMD: prior to June 1st, 2018), and was therefore a candidate for classification through an automated scoring system. Utilizing variant allele frequency, disease prevalence and penetrance estimates, and inheritance mode, an automated score was calculated to assess if this variant is too frequent to cause the disease. Based on the score and internal cut-off values, a variant classified as likely benign is not then subjected to further curation. The score for this variant resulted in a classification of likely benign for this disease.

Genetic Services Laboratory, University of Chicago
Classification: Benign. Last evaluated: 2017-07-13. Review status: criteria provided, single submitter. Criteria: ACMG Guidelines, 2015. Collection method: clinical testing. Allele origin: germline. Affected: no.

Breakthrough Genomics
Classification: Likely benign. Review status: criteria provided, single submitter. Criteria: ACMG Guidelines, 2015. Collection method: not provided. Allele origin: germline. Inheritance: Autosomal recessive inheritance. Affected: yes.

SN ONGC Dept of Genetics and Molecular biology Vision Research Foundation
Classification: Uncertain significance for Bardet-Biedl syndrome. Review status: criteria provided, single submitter. Criteria: ACMG Guidelines, 2015. Collection method: research. Allele origin: unknown. Affected: yes. Observed: 1 heterozygote.
Comment: This variant was observed in digenic inheritance with the variant NC_000002.11:g.73786119G>T.

Clinical Genetics DNA and cytogenetics Diagnostics Lab, Erasmus MC, Erasmus Medical Center
Classification: Likely benign. Review status: no assertion criteria provided. Collection method: clinical testing. Allele origin: germline. Affected: yes. Study: VKGL Data-share Consensus. Not counted in ClinVar's aggregate classification.

Clinical Genetics, Academic Medical Center
Classification: Likely benign. Review status: no assertion criteria provided. Collection method: clinical testing. Allele origin: germline. Affected: yes. Study: VKGL Data-share Consensus. Not counted in ClinVar's aggregate classification.

Genome Diagnostics Laboratory, University Medical Center Utrecht
Classification: Benign. Review status: no assertion criteria provided. Collection method: clinical testing. Allele origin: germline. Affected: yes. Study: VKGL Data-share Consensus. Not counted in ClinVar's aggregate classification.